The following is an entry in ClinVar:

ClinVar aggregate classification (germline): Likely pathogenic. Review status: criteria provided, multiple submitters, no conflicts (2 of 4 stars). 4 submissions from 4 submitters: Likely pathogenic (3). 1 of the submissions does not count toward it. Last evaluated 2024-06-19.

Conditions:
Autosomal recessive Alport syndrome (ATS2). Also called: Alport syndrome type 2; ALPORT SYNDROME 2, AUTOSOMAL RECESSIVE; COL4A3-Related Nephropathy; COL4A4 Alport Syndrome and Thin Basement Membrane Nephropathy. Identifiers: Orphanet 63, Orphanet 88919, MedGen C4746745, MONDO:0008762, OMIM 203780.
Hematuria, benign familial, 1 (BFH1). Also called: THIN MEMBRANE NEPHROPATHY. Identifiers: MedGen CN376803, MONDO:0007709, OMIM 141200.

Allele frequency attached by ClinVar (database versions not stated): ExAC 0.00001.
gnomAD v4.1: 2 of 1,607,662 alleles (0.00012%); highest among the groups gnomAD compares: Non-Finnish European, 0.00017%; no homozygotes.

Submissions (4):

Fulgent Genetics
Classification: Likely pathogenic for Hematuria, benign familial, 1; Autosomal recessive Alport syndrome. Last evaluated: 2024-06-19. Review status: criteria provided, single submitter. Criteria: ACMG Guidelines, 2015. Collection method: clinical testing. Allele origin: germline.

Labcorp Genetics (formerly Invitae), Labcorp
Classification: Likely pathogenic. Last evaluated: 2023-07-09. Review status: criteria provided, single submitter. Criteria: Invitae Variant Classification Sherloc (09022015). Collection method: clinical testing. Allele origin: germline.
Comment: Algorithms developed to predict the effect of sequence changes on RNA splicing suggest that this variant may disrupt the consensus splice site. In summary, the currently available evidence indicates that the variant is pathogenic, but additional data are needed to prove that conclusively. Therefore, this variant has been classified as Likely Pathogenic. ClinVar contains an entry for this variant (Variation ID: 556869). This sequence change affects a donor splice site in intron 45 of the COL4A4 gene. It is expected to disrupt RNA splicing. Variants that disrupt the donor or acceptor splice site typically lead to a loss of protein function (PMID: 16199547), and loss-of-function variants in COL4A4 are known to be pathogenic (PMID: 21196518, 24854265, 25307543). This variant is present in population databases (rs755927061, gnomAD 0.0009%). Disruption of this splice site has been observed in individual(s) with clinical features of COL4A4-related conditions (PMID: 30076350).

GeneDx
Classification: Likely pathogenic. Last evaluated: 2022-12-21. Review status: criteria provided, single submitter. Criteria: GeneDx Variant Classification Process June 2021. Collection method: clinical testing. Allele origin: germline. Affected: yes.
Comment: Reported in the heterozygous state in a patient with Alport syndrome in published literature (Sun et al., 2018); clinical information not available; Canonical splice site variant predicted to result in in-frame deletion within a critical region. Variant damages or destroys the canonical splice donor site in intron 45, and is expected to cause abnormal gene splicing; if the splice outcome is exon skip, the loss of the encoded residues in the triple helical region is expected to disrupt normal protein folding and function; Not observed at significant frequency in large population cohorts (gnomAD); This variant is associated with the following publications: (PMID: 30076350)

Counsyl
Classification: Likely pathogenic for Autosomal recessive Alport syndrome. Last evaluated: 2018-02-22. Review status: no assertion criteria provided. Collection method: clinical testing. Allele origin: unknown. Not counted in ClinVar's aggregate classification.

Literature cited by the submitters: PubMed 16199547 (cited by Labcorp Genetics (formerly Invitae), Labcorp); PubMed 21196518 (cited by Labcorp Genetics (formerly Invitae), Labcorp); PubMed 24854265 (cited by Labcorp Genetics (formerly Invitae), Labcorp); PubMed 25307543 (cited by Labcorp Genetics (formerly Invitae), Labcorp); PubMed 30076350 (cited by Labcorp Genetics (formerly Invitae), Labcorp).

NM_000092.5(COL4A4):c.4333+2T>C

Gene: COL4A4 (collagen type IV alpha 4 chain; minus strand). Cytogenetic location: 2q36.3.
Variant type: single nucleotide variant.
Coding change: c.4333+2T>C on transcript NM_000092.5 (MANE Select); the canonical splice donor site of the intron after coding-DNA position 4333, T replaced by C.
Molecular consequence: splice donor variant.
Genome position (GRCh38, 1-based): chr2:227,012,179, A>G on the plus strand (T>C on the coding strand, the complement: COL4A4 is on the minus strand). VCF-style: chr2-227012179-A-G. GRCh37 (hg19) VCF-style: chr2-227876895-A-G.
Identifiers: ClinVar variation 556869 (VCV000556869.7), dbSNP rs755927061, ClinGen allele CA2144207.
Genomic context (GRCh38, chr2:227,012,179, plus strand): 5'-GATTTTGTATACAACTCTAAGGTTTACAGTGTCAGAGAAAAGAGGAGTGACTGAAACTCT[A>G]CCTGGTCCTCCAGGGTAGCCGTCTTCTCCTGTGTCACCTTTACGTCCGGGAGGCCCAGGA-3'